The following is an entry in ClinVar:

ClinVar aggregate classification (germline): Pathogenic (1 of 4 stars; one submission).

Conditions:
VPS13A-related neurodegenerative disease. Also called: ACANTHOCYTOSIS WITH NEUROLOGIC DISORDER; LEVINE-CRITCHLEY SYNDROME; Choreoacanthocytosis; Chorea-acanthocytosis; Choreaacanthocytosis; VPS13A Disease. Identifiers: Orphanet 2388, MedGen C0393576, MONDO:0008695, OMIM 200150.

Submission:

Myriad Genetics, Inc.
Classification: Pathogenic for VPS13A-related neurodegenerative disease. Last evaluated: 2023-10-10. Review status: criteria provided, single submitter. Criteria: Myriad Autosomal Dominant, Autosomal Recessive and X-Linked Classification Criteria (2023). Collection method: clinical testing. Allele origin: unknown.
Comment: NM_033305.2(VPS13A):c.8647_8648delTTinsA(F2883Ifs*22) is expected to be pathogenic in the context of VPS13A disease. This variant is predicted to lead to an abnormal or absent protein product due to the creation of a premature termination codon in VPS13A, a gene where loss-of-function variants are known to be pathogenic. Please note: this variant was assessed in the context of healthy population screening.

NM_033305.3(VPS13A):c.8647_8648delinsA (p.Phe2883fs)

Gene: VPS13A (vacuolar protein sorting 13 homolog A; plus strand). Cytogenetic location: 9q21.2.
Variant type: Indel.
Coding change: c.8647_8648delinsA on transcript NM_033305.3 (MANE Select); coding-DNA positions 8647 to 8648, TT replaced by A.
Protein change: p.Phe2883fs; shifts the reading frame from phenylalanine 2883.
Molecular consequence: frameshift variant.
Genome position (GRCh38, 1-based): chr9:77,369,392-77,369,393, TT replaced by A. VCF-style: chr9-77369392-TT-A. GRCh37 (hg19) VCF-style: chr9-79984308-TT-A.
Other names: c.8530_8531delinsA, p.Phe2844fs (NM_001018037.2); c.8647_8648delinsA, p.Phe2883fs (NM_001018038.3, NM_015186.4); short protein forms F2844fs, F2883fs.
Identifiers: ClinVar variation 5012372 (VCV005012372.1).